The following is an entry in ClinVar:

ClinVar aggregate classification (germline): Pathogenic. Review status: criteria provided, multiple submitters, no conflicts (2 of 4 stars). 6 submissions from 6 submitters: Pathogenic (2). 4 of the submissions do not count toward it. Last evaluated 2026-01-27.

Conditions:
Idiopathic and/or familial pulmonary arterial hypertension. Identifiers: Orphanet 422, MedGen C5679820, MONDO:0008347.
Pulmonary arterial hypertension. Identifiers: Orphanet 182090, MedGen C2973725, MeSH D000081029, MONDO:0015924, HP:0002092.
Primary pulmonary hypertension. Also called: Idiopathic pulmonary hypertension. Identifiers: MedGen C0152171.
Pulmonary hypertension, primary, 1 (PPH1). Also called: Pulmonary hypertension, familial primary, 1, with or without HHT. Identifiers: Orphanet 422, MedGen C4552070, MONDO:0024533, OMIM 178600.

Allele frequency attached by ClinVar (database versions not stated): gnomAD exomes below 0.00001; gnomAD 0.00001.
gnomAD v4.1: 2 of 1,589,206 alleles (0.00013%); highest among the groups gnomAD compares: East Asian, 0.0022%; no homozygotes.

Submissions (6):

Labcorp Genetics (formerly Invitae), Labcorp
Classification: Pathogenic for Primary pulmonary hypertension. Last evaluated: 2026-01-27. Review status: criteria provided, single submitter. Criteria: Invitae Variant Classification Sherloc (09022015). Collection method: clinical testing. Allele origin: germline.
Comment: This sequence change affects an acceptor splice site in intron 6 of the BMPR2 gene. It is expected to disrupt RNA splicing. Variants that disrupt the donor or acceptor splice site typically lead to a loss of protein function (PMID: 16199547), and loss-of-function variants in BMPR2 are known to be pathogenic (PMID: 16429395). This variant is present in population databases (no rsID available, gnomAD 0.007%). Disruption of this splice site has been observed in individual(s) with pulmonary arterial hypertension (PMID: 16429395, 25612240, 28388887). In at least one individual the variant was observed to be de novo. ClinVar contains an entry for this variant (Variation ID: 212815). Algorithms developed to predict the effect of sequence changes on RNA splicing suggest that this variant may disrupt the consensus splice site. For these reasons, this variant has been classified as Pathogenic.

GeneDx
Classification: Pathogenic. Last evaluated: 2015-06-04. Review status: criteria provided, single submitter. Criteria: GeneDx Variant Classification (06012015). Collection method: clinical testing. Allele origin: germline. Affected: yes.
Comment: c.853-2 A>G:IVS6-2 A>G in intron 6 of the BMPR2 gene (NM_001204.6). The c.853-2 A>G mutation has been reported in at least one individual with idiopathic PAH (Machado R et al., 2006). This mutation destroys the canonical splice acceptor site in intron 6 and is predicted to cause abnormal gene splicing. The mutation is predicted to lead to an abnormal message that is subject to nonsense-mediated mRNA decay (Machado R et al., 2006). Other splice site mutations in the BMPR2 gene have been reported in association with PAH. Furthermore, the c.853-2 A>G mutation was not observed in approximately 6500 individuals of European and African American ancestry in the NHLBI Exome Sequencing Project, indicating it is not a common benign variant in these populations. In summary, c.853-2 A>G in the BMPR2 gene is interpreted as a disease-causing mutation. This variant was found in PAH-PANCARD

Center for Genomic Medicine, Kyoto University Graduate School of Medicine
Classification: Pathogenic for Pulmonary hypertension, primary, 1. Last evaluated: 2016-07-11. Review status: no assertion criteria provided. Collection method: clinical testing. Allele origin: germline. Affected: yes. Not counted in ClinVar's aggregate classification.

NIHR Bioresource Rare Diseases, University of Cambridge
Classification: Likely pathogenic for Pulmonary arterial hypertension. Review status: no assertion criteria provided. Collection method: research. Allele origin: unknown. Affected: yes. Observed: 1 variant allele. Not counted in ClinVar's aggregate classification.

Rare Disease Genomics Group, St George's University of London
Classification: Pathogenic for Primary pulmonary hypertension. Review status: no assertion criteria provided. Collection method: literature only. Allele origin: germline. Affected: yes. Not counted in ClinVar's aggregate classification.

Wendy Chung Laboratory, Boston Children's Hospital
No classification provided. Condition: Idiopathic and/or familial pulmonary arterial hypertension. Review status: no classification provided. Collection method: literature only. Allele origin: germline. Affected: yes. Not counted in ClinVar's aggregate classification.

Literature cited by the submitters: PubMed 16199547 (cited by Labcorp Genetics (formerly Invitae), Labcorp); PubMed 16429395 (cited by Labcorp Genetics (formerly Invitae), Labcorp and Rare Disease Genomics Group, St George's University of London); PubMed 25612240 (cited by Labcorp Genetics (formerly Invitae), Labcorp); PubMed 28388887 (cited by Labcorp Genetics (formerly Invitae), Labcorp); PubMed 32581362 (cited by NIHR Bioresource Rare Diseases, University of Cambridge); PubMed 23579436 (cited by Rare Disease Genomics Group, St George's University of London); PubMed 26387786 (cited by Rare Disease Genomics Group, St George's University of London); PubMed 31727138 (cited by Wendy Chung Laboratory, Boston Children's Hospital).

NM_001204.7(BMPR2):c.853-2A>G

Gene: BMPR2 (bone morphogenetic protein receptor type 2; plus strand). Cytogenetic location: 2q33.2.
Variant type: single nucleotide variant.
Coding change: c.853-2A>G on transcript NM_001204.7 (MANE Select); the canonical splice acceptor site of the intron before coding-DNA position 853, A replaced by G.
Molecular consequence: splice acceptor variant.
Genome position (GRCh38, 1-based): chr2:202,520,085, A>G. VCF-style: chr2-202520085-A-G. GRCh37 (hg19) VCF-style: chr2-203384808-A-G.
Identifiers: ClinVar variation 212815 (VCV000212815.7), dbSNP rs863223424, ClinGen allele CA324144.